The following is an entry in ClinVar:

NM_001142864.4(PIEZO1):c.1536_1537del (p.Cys513fs)

Genes: HSALR1 (HSP90AB1 associated lncRNA 1; plus strand), PIEZO1 (piezo type mechanosensitive ion channel component 1 (Er blood group); minus strand). Cytogenetic location: 16q24.3.
Variant type: Deletion.
Coding change: c.1536_1537del on transcript NM_001142864.4 (MANE Select); coding-DNA positions 1536 to 1537, 2 bases deleted (CT; older notation c.1536_1537delCT).
Protein change: p.Cys513fs; shifts the reading frame from cysteine 513.
Molecular consequence: frameshift variant.
Genome position (GRCh38, 1-based): chr16:88,736,168-88,736,169, AG deleted on the plus strand (CT on the coding strand, the reverse complement: PIEZO1 is on the minus strand). VCF-style (leftmost placement, unchanged base first): chr16-88736167-CAG-C. GRCh37 (hg19) VCF-style: chr16-88802575-CAG-C.
Other names: p.Cys513Serfs*263; short protein forms C513fs.
Identifiers: ClinVar variation 978651 (VCV000978651.5), dbSNP rs914435870, ClinGen allele CA286432418.
Genomic context (GRCh38, chr16:88,736,167, plus strand): 5'-TGCGCACCCAGGCACCCCCGGATGTGGTGGTGCACACTCACCATGGCACCAAGGTCCAGA[CAG>C]GGGTAGCGGGTGTGCTCCAGCCCCAGCTGGCGCAGGCTGACGGGGCCCAGGGTGGTGGGC-3'

ClinVar aggregate classification (germline): Pathogenic/Likely pathogenic. Review status: criteria provided, multiple submitters, no conflicts (2 of 4 stars). 5 submissions from 5 submitters: Pathogenic (3); Likely pathogenic (2). Last evaluated 2026-02-12.

Conditions:
Hydrops fetalis. Identifiers: Orphanet 1041, MedGen C0020305, MONDO:0015193, HP:0001789.
Thickened nuchal skin fold. Identifiers: MedGen C1836940, HP:0000474.
Fetal anomalies with a likely genetic cause.
Lymphatic malformation 6 (LMPHM6). Also called: PIEZO1-related generalized lymphatic dysplasia with non-immune hydrops fetalis; GENERALIZED LYMPHATIC DYSPLASIA OF FOTIOU; Lymphedema, hereditary, III. Identifiers: Orphanet 568062, MedGen C4225184, MONDO:0014797, OMIM 616843.

Allele frequency attached by ClinVar (database versions not stated): gnomAD 0.00001; gnomAD exomes 0.00002 and 0.00003; TOPMed 0.00004.

Submissions (5):

Genetics Laboratory, Great Ormond Street Hospital NHS Foundation Trust, North Thames Genomic Laboratory Hub
Classification: Pathogenic for Fetal anomalies with a likely genetic cause. Last evaluated: 2026-02-12. Review status: criteria provided, single submitter. Criteria: ACGS Best Practice Guidelines for Variant Classification in Rare Disease 2024 v1.2. Collection method: clinical testing. Allele origin: germline. Affected: yes.
Comment: PM2_moderate, PVS1_very-strong

Labcorp Genetics (formerly Invitae), Labcorp
Classification: Pathogenic. Last evaluated: 2025-10-26. Review status: criteria provided, single submitter. Criteria: Invitae Variant Classification Sherloc (09022015). Collection method: clinical testing. Allele origin: germline.
Comment: This sequence change creates a premature translational stop signal (p.Cys513Serfs*263) in the PIEZO1 gene. It is expected to result in an absent or disrupted protein product. Loss-of-function variants in PIEZO1 are known to be pathogenic (PMID: 26333996). This variant is present in population databases (no rsID available, gnomAD 0.01%). This premature translational stop signal has been observed in individual(s) with clinical features of autosomal recessive PIEZO1-related conditions (PMID: 31680349). ClinVar contains an entry for this variant (Variation ID: 978651). For these reasons, this variant has been classified as Pathogenic.

Mayo Clinic Laboratories, Mayo Clinic
Classification: Likely pathogenic. Last evaluated: 2025-01-07. Review status: criteria provided, single submitter. Criteria: ACMG Guidelines, 2015. Collection method: clinical testing. Allele origin: germline. Observed: 1 variant allele.
Comment: PM2_supporting, PVS1

New York Genome Center
Classification: Pathogenic for Lymphatic malformation 6. Last evaluated: 2023-11-21. Review status: criteria provided, single submitter. Criteria: NYGC Assertion Criteria 2020. Collection method: clinical testing. Allele origin: inherited. Affected: yes. Observed: 1 variant allele, 1 compound heterozygote.
Comment: The inherited c.1536_1537del variant in PIEZO1 has previously been reported in three fetuses with Increased nuchal translucency and hydrops fetalis from the same parents [PMID: 31680349] and it has been deposited in ClinVar [ClinVar ID: 978651] as Likely Pathogenic. The c.1536_1537del variant is observed in 31 alleles (~0.002 % minor allele frequency with 0 homozygotes) in the population database (gnomAD v4), suggesting it is not a common benign variant in the populations represented in this database. The c.1536_1537del variant in PIEZO1 is located in exon 12 of this 51-exon gene, predicted to incorporate a premature termination codon (p.(Cys513SerfsTer263)) and is expected to result in loss-of-function via nonsense mediated decay. Multiple loss-of-function variants that are downstream to the c.1536_1537del variant have been reported in individuals with lymphatic dysplasia. Based on available evidence this inherited c.1536_1537del p.(Cys513SerfsTer263) variant identified in PIEZO1 is classified as Pathogenic.

Center for Reproductive Medicine, Peking University Third Hospital
Classification: Likely pathogenic for Thickened nuchal skin fold; Hydrops fetalis. Last evaluated: 2019-10-16. Review status: criteria provided, single submitter. Criteria: ACMG Guidelines, 2015. Collection method: clinical testing. Allele origin: germline. Affected: yes.

Literature cited by the submitters: PubMed 26333996 (cited by Labcorp Genetics (formerly Invitae), Labcorp); PubMed 31680349 (cited by 4 submitters); PubMed 30244526 (cited by Center for Reproductive Medicine, Peking University Third Hospital).